The following is an entry in ClinVar:

ClinVar aggregate classification (germline): Conflicting classifications of pathogenicity. Review status: criteria provided, conflicting classifications (1 of 4 stars). 3 submissions from 3 submitters: Uncertain significance (2); Likely benign (1). Last evaluated 2025-01-13.

Conditions:
HSD17B10-related disorder. Also called: HSD17B10-related condition.

Allele frequency attached by ClinVar (database versions not stated): gnomAD exomes 0.00001 and 0.00005; TOPMed 0.00003; gnomAD 0.00004.
gnomAD v4.1: 54 of 1,209,708 alleles (0.0045%); highest among the groups gnomAD compares: Non-Finnish European, 0.0058%; no homozygotes.

Submissions (3):

PreventionGenetics, part of Exact Sciences
Classification: Likely benign for HSD17B10-related condition. Last evaluated: 2025-01-13. Review status: criteria provided, single submitter. Criteria: ACMG Guidelines, 2015. Collection method: clinical testing. Allele origin: germline.
Comment: This variant is classified as likely benign based on ACMG/AMP sequence variant interpretation guidelines (Richards et al. 2015 PMID: 25741868, with internal and published modifications).

Labcorp Genetics (formerly Invitae), Labcorp
Classification: Uncertain significance. Last evaluated: 2024-06-12. Review status: criteria provided, single submitter. Criteria: Invitae Variant Classification Sherloc (09022015). Collection method: clinical testing. Allele origin: germline.
Comment: This sequence change falls in intron 4 of the HSD17B10 gene. It does not directly change the encoded amino acid sequence of the HSD17B10 protein. It affects a nucleotide within the consensus splice site. This variant is present in population databases (no rsID available, gnomAD 0.001%). This variant has not been reported in the literature in individuals affected with HSD17B10-related conditions. ClinVar contains an entry for this variant (Variation ID: 646699). Variants that disrupt the consensus splice site are a relatively common cause of aberrant splicing (PMID: 17576681, 9536098). Algorithms developed to predict the effect of sequence changes on RNA splicing suggest that this variant is not likely to affect RNA splicing. In summary, the available evidence is currently insufficient to determine the role of this variant in disease. Therefore, it has been classified as a Variant of Uncertain Significance.

Women's Health and Genetics/Laboratory Corporation of America, LabCorp
Classification: Uncertain significance. Last evaluated: 2023-12-12. Review status: criteria provided, single submitter. Criteria: LabCorp Variant Classification Summary - May 2015. Collection method: clinical testing. Allele origin: germline.

Literature cited by the submitters: PubMed 17576681 (cited by Labcorp Genetics (formerly Invitae), Labcorp); PubMed 9536098 (cited by Labcorp Genetics (formerly Invitae), Labcorp).

NM_004493.3(HSD17B10):c.486+3G>A

Gene: HSD17B10 (hydroxysteroid 17-beta dehydrogenase 10; minus strand). Cytogenetic location: Xp11.22.
Variant type: single nucleotide variant.
Coding change: c.486+3G>A on transcript NM_004493.3 (MANE Select); 3 bases into the intron after coding-DNA position 486, G replaced by A.
Molecular consequence: intron variant.
Genome position (GRCh38, 1-based): chrX:53,431,985, C>T on the plus strand (G>A on the coding strand, the complement: HSD17B10 is on the minus strand). VCF-style: chrX-53431985-C-T. GRCh37 (hg19) VCF-style: chrX-53458933-C-T.
Other names: c.486+3G>A (NM_001037811.2).
Identifiers: ClinVar variation 646699 (VCV000646699.5), dbSNP rs949464841, ClinGen allele CA329176244.